The following is an entry in ClinVar:

NM_001267550.2(TTN):c.99154C>T (p.Arg33052Cys)

Genes: TTN (titin; minus strand), TTN-AS1 (TTN antisense RNA 1; plus strand). Cytogenetic location: 2q31.2.
Variant type: single nucleotide variant.
Coding change: c.99154C>T on transcript NM_001267550.2 (MANE Select); coding-DNA position 99154, C replaced by T.
Protein change: p.Arg33052Cys; replaces arginine 33052 with cysteine.
Molecular consequence: missense variant.
Genome position (GRCh38, 1-based): chr2:178,538,675, G>A on the plus strand (C>T on the coding strand, the complement: TTN is on the minus strand). VCF-style: chr2-178538675-G-A. GRCh37 (hg19) VCF-style: chr2-179403402-G-A.
Other names: c.94231C>T, p.Arg31411Cys (NM_001256850.1); c.71959C>T, p.Arg23987Cys (NM_003319.4); c.91450C>T, p.Arg30484Cys (NM_133378.4); c.72334C>T, p.Arg24112Cys (NM_133432.3); c.72535C>T, p.Arg24179Cys (NM_133437.4); short protein forms R30484C, R33052C, R24179C, R31411C, R23987C, R24112C.
Identifiers: ClinVar variation 332710 (VCV000332710.6), dbSNP rs758109676, ClinGen allele CA1986246.

ClinVar aggregate classification (germline): Conflicting classifications of pathogenicity. Review status: criteria provided, conflicting classifications (1 of 4 stars). 6 submissions from 2 submitters: Uncertain significance (4); Likely benign (2). Last evaluated 2024-07-05.

Conditions:
Dilated cardiomyopathy 1G (CMD1G). Identifiers: Orphanet 154, MedGen C1858763, MONDO:0011400, OMIM 604145.
Autosomal recessive limb-girdle muscular dystrophy type 2J (LGMDR10). Also called: Limb-girdle muscular dystrophy, type 2J; MUSCULAR DYSTROPHY, LIMB-GIRDLE, AUTOSOMAL RECESSIVE 10. Identifiers: Orphanet 140922, MedGen C1837342, MONDO:0012127, OMIM 608807.
Early-onset myopathy with fatal cardiomyopathy (CMYO5). Also called: Salih Myopathy; CONGENITAL MYOPATHY 5 WITH CARDIOMYOPATHY. Identifiers: Orphanet 289377, MedGen C2673677, MONDO:0012714, OMIM 611705. Disease mechanism: loss of function.
Myopathy, myofibrillar, 9, with early respiratory failure (MFM9). Also called: Hereditary myopathy with early respiratory failure; Myopathy, distal, with early respiratory failure, autosomal dominant; EDSTROM MYOPATHY; MYOPATHY, PROXIMAL, WITH EARLY RESPIRATORY MUSCLE INVOLVEMENT. Identifiers: Orphanet 178464, Orphanet 34521, MedGen C1863599, MONDO:0011362, OMIM 603689.
Tibial muscular dystrophy (TMD). Also called: Tibial muscular dystrophy, tardive; UDD MYOPATHY; Udd Distal Myopathy – Tibial Muscular Dystrophy. Identifiers: Orphanet 609, MedGen C1838244, MONDO:0010870, OMIM 600334.

Allele frequency attached by ClinVar (database versions not stated): gnomAD 0.00001; TOPMed 0.00002; gnomAD exomes 0.00003; ExAC 0.00004.
gnomAD v4.1: 44 of 1,613,536 alleles (0.0027%); highest among the groups gnomAD compares: South Asian, 0.013%; no homozygotes.

Submissions (6):

Blueprint Genetics
Classification: Likely benign. Last evaluated: 2024-07-05. Review status: criteria provided, single submitter. Criteria: ACMG Guidelines, 2015. Collection method: clinical testing. Allele origin: germline.

Illumina Laboratory Services, Illumina
Classification: Likely benign for Tibial muscular dystrophy. Last evaluated: 2018-01-12. Review status: criteria provided, single submitter. Criteria: ICSL Variant Classification Criteria 13 December 2019. Collection method: clinical testing. Allele origin: germline.
Comment: This variant was observed in the ICSL laboratory as part of a predisposition screen in an ostensibly healthy population. It had not been previously curated by ICSL or reported in the Human Gene Mutation Database (HGMD: prior to June 1st, 2018), and was therefore a candidate for classification through an automated scoring system. Utilizing variant allele frequency, disease prevalence and penetrance estimates, and inheritance mode, an automated score was calculated to assess if this variant is too frequent to cause the disease. Based on the score and internal cut-off values, a variant classified as likely benign is not then subjected to further curation. The score for this variant resulted in a classification of likely benign for this disease.

Illumina Laboratory Services, Illumina
Classification: Uncertain significance for Myopathy, myofibrillar, 9, with early respiratory failure. Last evaluated: 2018-01-12. Review status: criteria provided, single submitter. Criteria: ICSL Variant Classification Criteria 13 December 2019. Collection method: clinical testing. Allele origin: germline.

Illumina Laboratory Services, Illumina
Classification: Uncertain significance for Autosomal recessive limb-girdle muscular dystrophy type 2J. Last evaluated: 2018-01-12. Review status: criteria provided, single submitter. Criteria: ICSL Variant Classification Criteria 13 December 2019. Collection method: clinical testing. Allele origin: germline.

Illumina Laboratory Services, Illumina
Classification: Uncertain significance for Early-onset myopathy with fatal cardiomyopathy. Last evaluated: 2018-01-12. Review status: criteria provided, single submitter. Criteria: ICSL Variant Classification Criteria 13 December 2019. Collection method: clinical testing. Allele origin: germline.

Illumina Laboratory Services, Illumina
Classification: Uncertain significance for Dilated cardiomyopathy 1G. Last evaluated: 2018-01-12. Review status: criteria provided, single submitter. Criteria: ICSL Variant Classification Criteria 13 December 2019. Collection method: clinical testing. Allele origin: germline.